The following is an entry in ClinVar:

ClinVar aggregate classification (germline): Pathogenic (1 of 4 stars; one submission).

Conditions:
Inborn genetic diseases. Identifiers: MedGen C0950123, MeSH D030342.

Submission:

Ambry Genetics
Classification: Pathogenic for Inborn genetic diseases. Last evaluated: 2025-06-26. Review status: criteria provided, single submitter. Criteria: Ambry Variant Classification Scheme 2023. Collection method: clinical testing. Allele origin: germline.
Comment: The c.1A>G (p.M1?) alteration is located in coding exon 1 of the OGT gene and results from an A to G substitution at nucleotide position 1. This alters the methionine residue at the initiation codon (ATG). Sequence variations that modify the initiation codon are expected to result in either loss of translation initiation, N-terminal truncation, or cause a shift in the mRNA reading frame. This variant was not reported in population-based cohorts in the Genome Aggregation Database (gnomAD). This amino acid position is highly conserved in available vertebrate species. Based on the available evidence, this alteration is classified as pathogenic.

NM_181672.3(OGT):c.1A>G (p.Met1Val)

Genes: OGT (O-linked N-acetylglucosamine (GlcNAc) transferase; plus strand), LOC126863277 (MED14-independent group 3 enhancer GRCh37_chrX:70752005-70753204; plus strand). Cytogenetic location: Xq13.1.
Variant type: single nucleotide variant.
Coding change: c.1A>G on transcript NM_181672.3 (MANE Select); coding-DNA position 1, A replaced by G.
Protein change: p.Met1Val; changes the start codon (methionine 1).
Molecular consequence: missense variant, initiator codon variant.
Genome position (GRCh38, 1-based): chrX:71,533,300, A>G. VCF-style: chrX-71533300-A-G. GRCh37 (hg19) VCF-style: chrX-70753150-A-G.
Other names: c.1A>G, p.Met1Val (NM_181673.3); short protein forms M1V.
Identifiers: ClinVar variation 4125420 (VCV004125420.1).